The following is an entry in ClinVar:

NM_020806.5(GPHN):c.1237+2T>C

Gene: GPHN (gephyrin; plus strand). Cytogenetic location: 14q23.3.
Variant type: single nucleotide variant.
Coding change: c.1237+2T>C on transcript NM_020806.5 (MANE Select); the canonical splice donor site of the intron after coding-DNA position 1237, T replaced by C.
Molecular consequence: splice donor variant.
Genome position (GRCh38, 1-based): chr14:67,089,077, T>C. VCF-style: chr14-67089077-T-C. GRCh37 (hg19) VCF-style: chr14-67555794-T-C.
Other names: c.1258+2T>C (NM_001377516.1); c.1195+2T>C (NM_001377518.1); c.1210+2T>C (NM_001377517.1); c.1138+2T>C (NM_001024218.2); c.1297+2T>C (NM_001377514.1); c.1177+2T>C (NM_001377519.1); c.1267+2T>C (NM_001377515.1).
Identifiers: ClinVar variation 2005826 (VCV002005826.4), dbSNP rs2543060389, ClinGen allele CA390257361.

ClinVar aggregate classification (germline): Likely pathogenic (1 of 4 stars; one submission).

Conditions:
Sulfite oxidase deficiency due to molybdenum cofactor deficiency type C. Also called: Molybdenum cofactor deficiency, complementation group C; Molybdenum cofactor deficiency C. Identifiers: Orphanet 308400, Orphanet 833, MedGen C1854990, MONDO:0014212, OMIM 615501.

Submission:

Labcorp Genetics (formerly Invitae), Labcorp
Classification: Likely pathogenic for Sulfite oxidase deficiency due to molybdenum cofactor deficiency type C. Last evaluated: 2022-10-13. Review status: criteria provided, single submitter. Criteria: Invitae Variant Classification Sherloc (09022015). Collection method: clinical testing. Allele origin: germline.
Comment: In summary, the currently available evidence indicates that the variant is pathogenic, but additional data are needed to prove that conclusively. Therefore, this variant has been classified as Likely Pathogenic. Algorithms developed to predict the effect of sequence changes on RNA splicing suggest that this variant may disrupt the consensus splice site. This variant has not been reported in the literature in individuals affected with GPHN-related conditions. This variant is not present in population databases (gnomAD no frequency). This sequence change affects a donor splice site in intron 12 of the GPHN gene. It is expected to disrupt RNA splicing. Variants that disrupt the donor or acceptor splice site typically lead to a loss of protein function (PMID: 16199547), and loss-of-function variants in GPHN are known to be pathogenic (PMID: 11095995, 23184456, 23393157).

Literature cited by the submitters: PubMed 16199547; PubMed 11095995; PubMed 23184456; PubMed 23393157.